The following is an entry in ClinVar:

NM_017841.4(SDHAF2):c.200G>T (p.Arg67Ile)

Gene: SDHAF2 (succinate dehydrogenase complex assembly factor 2; plus strand). Cytogenetic location: 11q12.2.
Variant type: single nucleotide variant.
Coding change: c.200G>T on transcript NM_017841.4 (MANE Select); coding-DNA position 200, G replaced by T.
Protein change: p.Arg67Ile; replaces arginine 67 with isoleucine.
Molecular consequence: missense variant.
Genome position (GRCh38, 1-based): chr11:61,437,788, G>T. VCF-style: chr11-61437788-G-T. GRCh37 (hg19) VCF-style: chr11-61205260-G-T.
Other names: short protein forms R67I.
Identifiers: ClinVar variation 3018641 (VCV003018641.4), dbSNP rs1168623140, ClinGen allele CA380683605.
Genomic context (GRCh38, chr11:61,437,788, plus strand): 5'-TGATTGAAATCCCTTTGCCTCCATGGCAGGAGAGAACTGATGAATCCATAGAAACCAAAA[G>T]AGCCCGCCTGCTCTATGAGAGCAGAAAGAGGGGAATGTTGGAAAACTGCATTCTTCTTAG-3'
Protein context (NP_060311.1, residues 57-77): ERTDESIETK[Arg67Ile]ARLLYESRKR

ClinVar aggregate classification (germline): Uncertain significance. Review status: criteria provided, multiple submitters, no conflicts (2 of 4 stars). 2 submissions from 2 submitters: Uncertain significance (2). Last evaluated 2026-05-17.

Conditions:
Hereditary cancer-predisposing syndrome. Also called: Hereditary neoplastic syndrome; Neoplastic Syndromes, Hereditary; Tumor predisposition; Hereditary Cancer Syndrome. Identifiers: Orphanet 140162, MedGen C0027672, MeSH D009386, MONDO:0015356.
Hereditary pheochromocytoma and paraganglioma. Also called: Hereditary pheochromocytoma-paraganglioma; Hereditary Paraganglioma-Pheochromocytoma Syndromes; Hereditary paragangliomas and pheochromocytomas. Identifiers: Orphanet 29072, MedGen C4274332, MONDO:0017366.

Submissions (2):

Ambry Genetics
Classification: Uncertain significance for Hereditary cancer-predisposing syndrome. Last evaluated: 2026-05-17. Review status: criteria provided, single submitter. Criteria: Ambry Variant Classification Scheme 2023. Collection method: clinical testing. Allele origin: germline.
Comment: The p.R67I variant (also known as c.200G>T), located in coding exon 2 of the SDHAF2 gene, results from a G to T substitution at nucleotide position 200. The arginine at codon 67 is replaced by isoleucine, an amino acid with similar properties. This amino acid position is conserved. In addition, the in silico prediction for this alteration is inconclusive. Based on the available evidence, the clinical significance of this variant remains unclear.

Labcorp Genetics (formerly Invitae), Labcorp
Classification: Uncertain significance for Hereditary pheochromocytoma and paraganglioma. Last evaluated: 2023-09-21. Review status: criteria provided, single submitter. Criteria: Invitae Variant Classification Sherloc (09022015). Collection method: clinical testing. Allele origin: germline.
Comment: In summary, the available evidence is currently insufficient to determine the role of this variant in disease. Therefore, it has been classified as a Variant of Uncertain Significance. An algorithm developed to predict the effect of missense changes on protein structure and function (PolyPhen-2) suggests that this variant is likely to be disruptive. This variant has not been reported in the literature in individuals affected with SDHAF2-related conditions. This variant is not present in population databases (gnomAD no frequency). This sequence change replaces arginine, which is basic and polar, with isoleucine, which is neutral and non-polar, at codon 67 of the SDHAF2 protein (p.Arg67Ile).